The following is an entry in ClinVar:

NM_001005373.4(LRSAM1):c.1943C>T (p.Thr648Ile)

Gene: LRSAM1 (leucine rich repeat and sterile alpha motif containing 1; plus strand). Cytogenetic location: 9q34.11.
Variant type: single nucleotide variant.
Coding change: c.1943C>T on transcript NM_001005373.4 (MANE Select); coding-DNA position 1943, C replaced by T.
Protein change: p.Thr648Ile; replaces threonine 648 with isoleucine.
Molecular consequence: missense variant. On other transcripts: non-coding transcript variant (2).
Genome position (GRCh38, 1-based): chr9:127,501,040, C>T. VCF-style: chr9-127501040-C-T. GRCh37 (hg19) VCF-style: chr9-130263319-C-T.
Other names: c.1943C>T, p.Thr648Ile (NM_001005374.4, NM_001384142.1, NM_138361.5); c.1862C>T, p.Thr621Ile (NM_001190723.3); c.1844C>T, p.Thr615Ile (NM_001384143.1); c.1154C>T, p.Thr385Ile (NM_001384144.1); short protein forms T648I, T385I, T615I, T621I.
Identifiers: ClinVar variation 2037227 (VCV002037227.4), dbSNP rs2539463879, ClinGen allele CA374938176.

ClinVar aggregate classification (germline): Uncertain significance (1 of 4 stars; one submission).

Conditions:
Charcot-Marie-Tooth disease axonal type 2P. Also called: CHARCOT-MARIE-TOOTH NEUROPATHY, TYPE 2P; CHARCOT-MARIE-TOOTH DISEASE, AXONAL, TYPE 2G; CMT 2G; Charcot-Marie-Tooth Neuropathy Type 2G. Identifiers: Orphanet 300319, Orphanet 99941, MedGen C3280797, MONDO:0013753, OMIM 614436.

Allele frequency attached by ClinVar (database versions not stated): gnomAD exomes below 0.00001.
gnomAD v4.1: 4 of 1,614,012 alleles (0.00025%); highest among the groups gnomAD compares: South Asian, 0.0022%; no homozygotes.

Submission:

Labcorp Genetics (formerly Invitae), Labcorp
Classification: Uncertain significance for Charcot-Marie-Tooth disease axonal type 2P. Last evaluated: 2021-12-27. Review status: criteria provided, single submitter. Criteria: Invitae Variant Classification Sherloc (09022015). Collection method: clinical testing. Allele origin: germline.
Comment: In summary, the available evidence is currently insufficient to determine the role of this variant in disease. Therefore, it has been classified as a Variant of Uncertain Significance. Algorithms developed to predict the effect of missense changes on protein structure and function (SIFT, PolyPhen-2, Align-GVGD) all suggest that this variant is likely to be tolerated. This variant has not been reported in the literature in individuals affected with LRSAM1-related conditions. This variant is not present in population databases (gnomAD no frequency). This sequence change replaces threonine, which is neutral and polar, with isoleucine, which is neutral and non-polar, at codon 648 of the LRSAM1 protein (p.Thr648Ile).